The following is an entry in ClinVar:

NM_000094.4(COL7A1):c.5206C>A (p.Pro1736Thr)

Gene: COL7A1 (collagen type VII alpha 1 chain; minus strand). Cytogenetic location: 3p21.31.
Variant type: single nucleotide variant.
Coding change: c.5206C>A on transcript NM_000094.4 (MANE Select); coding-DNA position 5206, C replaced by A.
Protein change: p.Pro1736Thr; replaces proline 1736 with threonine.
Molecular consequence: missense variant.
Genome position (GRCh38, 1-based): chr3:48,579,617, G>T on the plus strand (C>A on the coding strand, the complement: COL7A1 is on the minus strand). VCF-style: chr3-48579617-G-T. GRCh37 (hg19) VCF-style: chr3-48617050-G-T.
Other names: short protein forms P1736T.
Identifiers: ClinVar variation 2982254 (VCV002982254.4), dbSNP rs2044586156, ClinGen allele CA352677359.

ClinVar aggregate classification (germline): Uncertain significance. Review status: criteria provided, multiple submitters, no conflicts (2 of 4 stars). 2 submissions from 2 submitters: Uncertain significance (2). Last evaluated 2026-05-10.

Allele frequency attached by ClinVar (database versions not stated): gnomAD exomes below 0.00001.
gnomAD v4.1: 4 of 1,613,764 alleles (0.00025%); highest among the groups gnomAD compares: Non-Finnish European, 0.00034%; no homozygotes.

Submissions (2):

Women's Health and Genetics/Laboratory Corporation of America, LabCorp
Classification: Uncertain significance. Last evaluated: 2026-05-10. Review status: criteria provided, single submitter. Criteria: LabCorp Variant Classification Summary - May 2015. Collection method: clinical testing. Allele origin: germline.

Labcorp Genetics (formerly Invitae), Labcorp
Classification: Uncertain significance. Last evaluated: 2025-03-31. Review status: criteria provided, single submitter. Criteria: Invitae Variant Classification Sherloc (09022015). Collection method: clinical testing. Allele origin: germline.
Comment: This sequence change replaces proline, which is neutral and non-polar, with threonine, which is neutral and polar, at codon 1736 of the COL7A1 protein (p.Pro1736Thr). This variant is not present in population databases (gnomAD no frequency). This variant has not been reported in the literature in individuals affected with COL7A1-related conditions. ClinVar contains an entry for this variant (Variation ID: 2982254). Invitae Evidence Modeling of protein sequence and biophysical properties (such as structural, functional, and spatial information, amino acid conservation, physicochemical variation, residue mobility, and thermodynamic stability) indicates that this missense variant is not expected to disrupt COL7A1 protein function with a negative predictive value of 95%. In summary, the available evidence is currently insufficient to determine the role of this variant in disease. Therefore, it has been classified as a Variant of Uncertain Significance.